The following is an entry in ClinVar:

ClinVar aggregate classification (germline): Uncertain significance (1 of 4 stars; one submission).

Conditions:
EGFR-related lung cancer (EGFR). Identifiers: MedGen CN130014.

Allele frequency attached by ClinVar (database versions not stated): gnomAD exomes below 0.00001; ExAC 0.00001.
gnomAD v4.1: 1 of 1,614,182 alleles (0.000062%); highest among the groups gnomAD compares: Non-Finnish European, 0.000085%; no homozygotes.

Submission:

Labcorp Genetics (formerly Invitae), Labcorp
Classification: Uncertain significance for EGFR-related lung cancer. Last evaluated: 2024-07-15. Review status: criteria provided, single submitter. Criteria: Invitae Variant Classification Sherloc (09022015). Collection method: clinical testing. Allele origin: germline.
Comment: This sequence change replaces arginine, which is basic and polar, with threonine, which is neutral and polar, at codon 1199 of the EGFR protein (p.Arg1199Thr). This variant is present in population databases (rs768074018, gnomAD 0.0009%). This variant has not been reported in the literature in individuals affected with EGFR-related conditions. ClinVar contains an entry for this variant (Variation ID: 1036634). An algorithm developed to predict the effect of missense changes on protein structure and function (PolyPhen-2) suggests that this variant is likely to be tolerated. In summary, the available evidence is currently insufficient to determine the role of this variant in disease. Therefore, it has been classified as a Variant of Uncertain Significance.

NM_005228.5(EGFR):c.3596G>C (p.Arg1199Thr)

Gene: EGFR (epidermal growth factor receptor; plus strand). Cytogenetic location: 7p11.2.
Variant type: single nucleotide variant.
Coding change: c.3596G>C on transcript NM_005228.5 (MANE Select); coding-DNA position 3596, G replaced by C.
Protein change: p.Arg1199Thr; replaces arginine 1199 with threonine.
Molecular consequence: missense variant.
Genome position (GRCh38, 1-based): chr7:55,205,580, G>C. VCF-style: chr7-55205580-G-C. GRCh37 (hg19) VCF-style: chr7-55273273-G-C.
Other names: c.3461G>C, p.Arg1154Thr (NM_001346899.2); c.3437G>C, p.Arg1146Thr (NM_001346900.2); c.2795G>C, p.Arg932Thr (NM_001346941.2); short protein forms R932T, R1146T, R1154T, R1199T.
Identifiers: ClinVar variation 1036634 (VCV001036634.8), dbSNP rs768074018, ClinGen allele CA4266432.